The following is an entry in ClinVar:

ClinVar aggregate classification (germline): Uncertain significance. Review status: criteria provided, multiple submitters, no conflicts (2 of 4 stars). 3 submissions from 3 submitters: Uncertain significance (3). Last evaluated 2025-09-19.

Conditions:
TTN-related disorder. Also called: TTN-related disorders; TTN-related condition; TTN-related disease.
Autosomal recessive limb-girdle muscular dystrophy type 2J (LGMDR10). Also called: Limb-girdle muscular dystrophy, type 2J; MUSCULAR DYSTROPHY, LIMB-GIRDLE, AUTOSOMAL RECESSIVE 10. Identifiers: Orphanet 140922, MedGen C1837342, MONDO:0012127, OMIM 608807.
Dilated cardiomyopathy 1G (CMD1G). Identifiers: Orphanet 154, MedGen C1858763, MONDO:0011400, OMIM 604145.

Allele frequency attached by ClinVar (database versions not stated): gnomAD exomes below 0.00001 and 0.00001; ExAC 0.00001; gnomAD 0.00002; TOPMed 0.00002.
gnomAD v4.1: 8 of 1,613,760 alleles (0.0005%); highest among the groups gnomAD compares: African/African-American, 0.0093%; no homozygotes.

Submissions (3):

Dasa
Classification: Uncertain significance. Last evaluated: 2025-09-19. Review status: criteria provided, single submitter. Criteria: DASA Assertion Criteria. Collection method: clinical testing. Allele origin: germline.
Comment: NM_001267550.2(TTN):c.13320G>A (p.Met4440Ile) is a missense variant that results in the substitution of methionine with isoleucine. This variant is rare in population databases. Computational prediction algorithms are consistent with a benign effect. The currently available literature and clinical evidence are not sufficient to establish a definitive association between this variant and the reported condition. Therefore, this variant is classified as a variant of uncertain significance.

PreventionGenetics, part of Exact Sciences
Classification: Uncertain significance for TTN-related condition. Last evaluated: 2025-07-29. Review status: criteria provided, single submitter. Criteria: ACMG Guidelines, 2015. Collection method: clinical testing. Allele origin: germline.
Comment: The TTN c.13320G>A variant is predicted to result in the amino acid substitution p.Met4440Ile. To our knowledge, this variant has not been reported in the literature. This variant is reported in 0.019% of alleles in individuals of African descent in gnomAD. At this time, the clinical significance of this variant is uncertain due to the absence of conclusive functional and genetic evidence.

Labcorp Genetics (formerly Invitae), Labcorp
Classification: Uncertain significance for Dilated cardiomyopathy 1G; Autosomal recessive limb-girdle muscular dystrophy type 2J. Last evaluated: 2017-12-26. Review status: criteria provided, single submitter. Criteria: Invitae Variant Classification Sherloc (09022015). Collection method: clinical testing. Allele origin: germline.

NM_001267550.2(TTN):c.13320G>A (p.Met4440Ile)

Gene: TTN (titin; minus strand). Cytogenetic location: 2q31.2.
Variant type: single nucleotide variant.
Coding change: c.13320G>A on transcript NM_001267550.2 (MANE Select); coding-DNA position 13320, G replaced by A.
Protein change: p.Met4440Ile; replaces methionine 4440 with isoleucine.
Molecular consequence: missense variant. On other transcripts: intron variant (1).
Genome position (GRCh38, 1-based): chr2:178,739,913, C>T on the plus strand (G>A on the coding strand, the complement: TTN is on the minus strand). VCF-style: chr2-178739913-C-T. GRCh37 (hg19) VCF-style: chr2-179604640-C-T.
Other names: c.12369G>A, p.Met4123Ile (NM_001256850.1); c.12231G>A, p.Met4077Ile (NM_003319.4); c.12606G>A, p.Met4202Ile (NM_133432.3); c.12807G>A, p.Met4269Ile (NM_133437.4); c.10361-1553G>A (NM_133378.4); short protein forms M4440I, M4077I, M4123I, M4269I, M4202I.
Identifiers: ClinVar variation 405157 (VCV000405157.6), dbSNP rs768996215, ClinGen allele CA2002600.